The following is an entry in ClinVar:

NM_016616.5(NME8):c.994+6G>C

Gene: NME8 (NME/NM23 family member 8; plus strand). Cytogenetic location: 7p14.1.
Variant type: single nucleotide variant.
Coding change: c.994+6G>C on transcript NM_016616.5 (MANE Select); 6 bases into the intron after coding-DNA position 994, G replaced by C.
Molecular consequence: intron variant.
Genome position (GRCh38, 1-based): chr7:37,877,013, G>C. VCF-style: chr7-37877013-G-C. GRCh37 (hg19) VCF-style: chr7-37916615-G-C.
Identifiers: ClinVar variation 409676 (VCV000409676.10), dbSNP rs1060502528, ClinGen allele CA16612243.

ClinVar aggregate classification (germline): Uncertain significance (1 of 4 stars; one submission).

Conditions:
Primary ciliary dyskinesia 6. Also called: Primary Ciliary Dyskinesia 6: TXNDC3-Related Primary Ciliary Dyskinesia. Identifiers: Orphanet 244, MedGen C1970506, MONDO:0012571, OMIM 610852.

Allele frequency attached by ClinVar (database versions not stated): gnomAD exomes below 0.00001; TOPMed below 0.00001; gnomAD 0.00001.
gnomAD v4.1: 7 of 1,607,634 alleles (0.00044%); highest among the groups gnomAD compares: Non-Finnish European, 0.0006%; no homozygotes.

Submission:

Labcorp Genetics (formerly Invitae), Labcorp
Classification: Uncertain significance for Primary ciliary dyskinesia 6. Last evaluated: 2019-06-14. Review status: criteria provided, single submitter. Criteria: Invitae Variant Classification Sherloc (09022015). Collection method: clinical testing. Allele origin: germline.
Comment: This sequence change falls in intron 12 of the NME8 gene. It does not directly change the encoded amino acid sequence of the NME8 protein, but it affects a nucleotide within the consensus splice site of the intron. This variant is not present in population databases (ExAC no frequency). This variant has not been reported in the literature in individuals with NME8-related disease. ClinVar contains an entry for this variant (Variation ID: 409676). Nucleotide substitutions within the consensus splice site are a relatively common cause of aberrant splicing (PMID: 17576681, 9536098). Algorithms developed to predict the effect of sequence changes on RNA splicing suggest that this variant is not likely to affect RNA splicing, but this prediction has not been confirmed by published transcriptional studies. In summary, the available evidence is currently insufficient to determine the role of this variant in disease. Therefore, it has been classified as a Variant of Uncertain Significance.

Literature cited by the submitters: PubMed 17576681; PubMed 9536098.